The following is an entry in ClinVar:

ClinVar aggregate classification (germline): Uncertain significance (1 of 4 stars; one submission).

Allele frequency attached by ClinVar (database versions not stated): gnomAD exomes below 0.00001.
gnomAD v4.1: 1 of 1,614,152 alleles (0.000062%); highest among the groups gnomAD compares: Non-Finnish European, 0.000085%; no homozygotes.

Submission:

Ambry Genetics
Classification: Uncertain significance. Last evaluated: 2023-12-08. Review status: criteria provided, single submitter. Criteria: Ambry Variant Classification Scheme 2023. Collection method: clinical testing. Allele origin: germline.
Comment: The p.T374A variant (also known as c.1120A>G), located in coding exon 9 of the FAM175A gene, results from an A to G substitution at nucleotide position 1120. The threonine at codon 374 is replaced by alanine, an amino acid with similar properties. This amino acid position is conserved. In addition, this alteration is predicted to be tolerated by in silico analysis. Since supporting evidence is limited at this time, the clinical significance of this alteration remains unclear.

NM_139076.3(ABRAXAS1):c.1120A>G (p.Thr374Ala)

Gene: ABRAXAS1 (abraxas 1, BRCA1 A complex subunit; minus strand). Cytogenetic location: 4q21.23.
Variant type: single nucleotide variant.
Coding change: c.1120A>G on transcript NM_139076.3 (MANE Select); coding-DNA position 1120, A replaced by G.
Protein change: p.Thr374Ala; replaces threonine 374 with alanine.
Molecular consequence: missense variant.
Genome position (GRCh38, 1-based): chr4:83,462,579, T>C on the plus strand (A>G on the coding strand, the complement: ABRAXAS1 is on the minus strand). VCF-style: chr4-83462579-T-C. GRCh37 (hg19) VCF-style: chr4-84383732-T-C.
Other names: c.793A>G, p.Thr265Ala (NM_001345962.2); short protein forms T265A, T374A.
Identifiers: ClinVar variation 3229135 (VCV003229135.1), dbSNP rs2529418116, ClinGen allele CA357255091.